The following is an entry in ClinVar:

NM_001267550.2(TTN):c.95501A>C (p.Asp31834Ala)

Genes: TTN (titin; minus strand), TTN-AS1 (TTN antisense RNA 1; plus strand). Cytogenetic location: 2q31.2.
Variant type: single nucleotide variant.
Coding change: c.95501A>C on transcript NM_001267550.2 (MANE Select); coding-DNA position 95501, A replaced by C.
Protein change: p.Asp31834Ala; replaces aspartic acid 31834 with alanine.
Molecular consequence: missense variant.
Genome position (GRCh38, 1-based): chr2:178,545,609, T>G on the plus strand (A>C on the coding strand, the complement: TTN is on the minus strand). VCF-style: chr2-178545609-T-G. GRCh37 (hg19) VCF-style: chr2-179410336-T-G.
Other names: c.90578A>C, p.Asp30193Ala (NM_001256850.1); c.68306A>C, p.Asp22769Ala (NM_003319.4); c.87797A>C, p.Asp29266Ala (NM_133378.4); c.68681A>C, p.Asp22894Ala (NM_133432.3); c.68882A>C, p.Asp22961Ala (NM_133437.4); short protein forms D22894A, D22961A, D31834A, D30193A, D22769A, D29266A.
Identifiers: ClinVar variation 1755683 (VCV001755683.2), dbSNP rs902706151, ClinGen allele CA60971307.

ClinVar aggregate classification (germline): Uncertain significance (1 of 4 stars; one submission).

Conditions:
Cardiovascular phenotype. Identifiers: MedGen CN230736.

Allele frequency attached by ClinVar (database versions not stated): gnomAD exomes below 0.00001; gnomAD 0.00001; TOPMed 0.00002.

Submission:

Ambry Genetics
Classification: Uncertain significance for Cardiovascular phenotype. Last evaluated: 2019-10-03. Review status: criteria provided, single submitter. Criteria: Ambry Variant Classification Scheme 2023. Collection method: clinical testing. Allele origin: germline.
Comment: The p.D22769A variant (also known as c.68306A>C), located in coding exon 171 of the TTN gene, results from an A to C substitution at nucleotide position 68306. The aspartic acid at codon 22769 is replaced by alanine, an amino acid with dissimilar properties. This amino acid position is highly conserved in available vertebrate species. In addition, the in silico prediction for this alteration is inconclusive. Since supporting evidence is limited at this time, the clinical significance of this alteration remains unclear.